The following is an entry in ClinVar:

NM_001365999.1(SZT2):c.7694T>C (p.Val2565Ala)

Gene: SZT2 (SZT2 subunit of KICSTOR complex; plus strand). Cytogenetic location: 1p34.2.
Variant type: single nucleotide variant.
Coding change: c.7694T>C on transcript NM_001365999.1 (MANE Select); coding-DNA position 7694, T replaced by C.
Protein change: p.Val2565Ala; replaces valine 2565 with alanine.
Molecular consequence: missense variant.
Genome position (GRCh38, 1-based): chr1:43,441,770, T>C. VCF-style: chr1-43441770-T-C. GRCh37 (hg19) VCF-style: chr1-43907441-T-C.
Other names: c.7523T>C, p.Val2508Ala (NM_015284.4); short protein forms V2508A, V2565A.
Identifiers: ClinVar variation 1037738 (VCV001037738.8), dbSNP rs1416472759, ClinGen allele CA340035823.

ClinVar aggregate classification (germline): Uncertain significance (1 of 4 stars; one submission).

Allele frequency attached by ClinVar (database versions not stated): gnomAD exomes below 0.00001.
gnomAD v4.1: 5 of 1,614,204 alleles (0.00031%); highest among the groups gnomAD compares: Non-Finnish European, 0.00042%; no homozygotes.

Submission:

Labcorp Genetics (formerly Invitae), Labcorp
Classification: Uncertain significance. Last evaluated: 2021-02-25. Review status: criteria provided, single submitter. Criteria: Invitae Variant Classification Sherloc (09022015). Collection method: clinical testing. Allele origin: germline.
Comment: Algorithms developed to predict the effect of missense changes on protein structure and function (SIFT, PolyPhen-2, Align-GVGD) all suggest that this variant is likely to be tolerated, but these predictions have not been confirmed by published functional studies and their clinical significance is uncertain. In summary, the available evidence is currently insufficient to determine the role of this variant in disease. Therefore, it has been classified as a Variant of Uncertain Significance. This variant has not been reported in the literature in individuals with SZT2-related conditions. This variant is not present in population databases (ExAC no frequency). This sequence change replaces valine with alanine at codon 2508 of the SZT2 protein (p.Val2508Ala). The valine residue is highly conserved and there is a small physicochemical difference between valine and alanine.